The following is an entry in ClinVar:

NM_005632.3(CAPN15):c.2708C>T (p.Pro903Leu)

Gene: CAPN15 (calpain 15; plus strand). Cytogenetic location: 16p13.3.
Variant type: single nucleotide variant.
Coding change: c.2708C>T on transcript NM_005632.3 (MANE Select); coding-DNA position 2708, C replaced by T.
Protein change: p.Pro903Leu; replaces proline 903 with leucine.
Molecular consequence: missense variant.
Genome position (GRCh38, 1-based): chr16:552,501, C>T. VCF-style: chr16-552501-C-T. GRCh37 (hg19) VCF-style: chr16-602501-C-T.
Other names: short protein forms P903L.
Identifiers: ClinVar variation 2347830 (VCV002347830.3), dbSNP rs138192600, ClinGen allele CA7778879.
Genomic context (GRCh38, chr16:552,501, plus strand): 5'-ACGTCATGCTGGAGCCTGGCGAGTACGCTGTGGTGTGCTGCGCCTTCAACCACTGGGGGC[C>T]GCCCCTGCCGGGCACCCCTGCCCCCCAGGGTACGTGGCCCCTACCCCAGGCTCATGCCCC-3'
Protein context (NP_005623.1, residues 893-913): VVCCAFNHWG[Pro903Leu]PLPGTPAPQA

ClinVar aggregate classification (germline): Uncertain significance. Review status: criteria provided, multiple submitters, no conflicts (2 of 4 stars). 2 submissions from 2 submitters: Uncertain significance (2). Last evaluated 2026-09-18.

Conditions:
CAPN15-related disorder. Also called: CAPN15-related condition.

Allele frequency attached by ClinVar (database versions not stated): 1000 Genomes Project 0.00040; TOPMed 0.00042; gnomAD 0.00044; gnomAD exomes 0.00074; ExAC 0.00075; ESP Exome Variant Server 0.00047; 1000 Genomes Project 30x 0.00062.
gnomAD v4.1: 1,122 of 1,605,488 alleles (0.07%); highest among the groups gnomAD compares: Non-Finnish European, 0.089%; 2 homozygotes.

Submissions (2):

PreventionGenetics, part of Exact Sciences
Classification: Uncertain significance for CAPN15-related condition. Last evaluated: 2026-09-18. Review status: criteria provided, single submitter. Criteria: ACMG Guidelines, 2015. Collection method: clinical testing. Allele origin: germline.
Comment: The CAPN15 c.2708C>T variant is predicted to result in the amino acid substitution p.Pro903Leu. To our knowledge, this variant has not been reported in the literature. This variant is present in 0.099% of alleles in individuals of European (Non-Finnish) descent in gnomAD, including two homozygous individuals. This population data is likely inconsistent with pathogenicity of this variant. Although we suspect that this variant may be benign, at this time, the clinical significance of this variant is uncertain due to the absence of conclusive functional and genetic evidence.

Ambry Genetics
Classification: Uncertain significance. Last evaluated: 2021-10-12. Review status: criteria provided, single submitter. Criteria: Ambry Variant Classification Scheme 2023. Collection method: clinical testing. Allele origin: germline.